The following is an entry in ClinVar:

NM_005591.4(MRE11):c.402+7_402+9del

Gene: MRE11 (MRE11 homolog, double strand break repair nuclease; minus strand). Cytogenetic location: 11q21.
Variant type: Microsatellite.
Coding change: c.402+7_402+9del on transcript NM_005591.4 (MANE Select); bases 7 to 9 of the intron after coding-DNA position 402, 3 bases deleted (ATT; older notation c.402+7_402+9delATT).
Molecular consequence: intron variant.
Genome position (GRCh38, 1-based): chr11:94,479,665-94,479,667, AAT deleted on the plus strand (ATT on the coding strand, the reverse complement: MRE11 is on the minus strand); deleting any 3 consecutive bases within chr11:94,479,665-94,479,670 gives the same sequence; the c. name uses the placement nearest the transcript's 3' end. VCF-style (leftmost placement, unchanged base first): chr11-94479664-CAAT-C. GRCh37 (hg19) VCF-style: chr11-94212830-CAAT-C.
Other names: c.402+7_402+9del (NM_001330347.2, NM_005590.4).
Identifiers: ClinVar variation 2501170 (VCV002501170.1), dbSNP rs2496565957, ClinGen allele CA2580616405.

ClinVar aggregate classification (germline): Uncertain significance (1 of 4 stars; one submission).

Submission:

Women's Health and Genetics/Laboratory Corporation of America, LabCorp
Classification: Uncertain significance. Last evaluated: 2023-03-27. Review status: criteria provided, single submitter. Criteria: LabCorp Variant Classification Summary - May 2015. Collection method: clinical testing. Allele origin: germline.
Comment: Variant summary: MRE11 c.402+7_402+9delATT alters nucleotides located close to a canonical splice site and therefore could affect mRNA splicing, leading to a significantly altered protein sequence, however the effect of the variant on RNA splicing has yet to be determined by experimental studies. The variant was absent in 249796 control chromosomes (gnomAD). The available data on variant occurrences in the general population are insufficient to allow any conclusion about variant significance. To our knowledge, no occurrence of c.402+7_402+9delATT in individuals affected with Hereditary Breast And Ovarian Cancer Syndrome and no experimental evidence demonstrating its impact on protein function have been reported. No clinical diagnostic laboratories have submitted clinical-significance assessments for this variant to ClinVar after 2014. Based on the evidence outlined above, the variant was classified as uncertain significance.